The following is an entry in ClinVar:

ClinVar aggregate classification (germline): Likely benign (1 of 4 stars; one submission).

Conditions:
Stuve-Wiedemann syndrome (STWS). Also called: Stüve-Wiedemann syndrome. Identifiers: Orphanet 3206, MedGen C0796176, MONDO:0031280.

Allele frequency attached by ClinVar (database versions not stated): gnomAD exomes 0.00077; 1000 Genomes Project 0.00280; 1000 Genomes Project 30x 0.00281; TOPMed 0.00464.
gnomAD v4.1: 705 of 213,620 alleles (0.33%); highest among the groups gnomAD compares: African/African-American, 1.4%; 4 homozygotes.

Submission:

Illumina Laboratory Services, Illumina
Classification: Likely benign for Stüve-Wiedemann syndrome 1. Last evaluated: 2018-01-13. Review status: criteria provided, single submitter. Criteria: ICSL Variant Classification Criteria 13 December 2019. Collection method: clinical testing. Allele origin: germline.
Comment: This variant was observed in the ICSL laboratory as part of a predisposition screen in an ostensibly healthy population. It had not been previously curated by ICSL or reported in the Human Gene Mutation Database (HGMD: prior to June 1st, 2018), and was therefore a candidate for classification through an automated scoring system. Utilizing variant allele frequency, disease prevalence and penetrance estimates, and inheritance mode, an automated score was calculated to assess if this variant is too frequent to cause the disease. Based on the score and internal cut-off values, a variant classified as likely benign is not then subjected to further curation. The score for this variant resulted in a classification of likely benign for this disease.

NM_001127671.2(LIFR):c.*4154A>G

Gene: LIFR (LIF receptor subunit alpha; minus strand). Cytogenetic location: 5p13.1.
Variant type: single nucleotide variant.
Coding change: c.*4154A>G on transcript NM_001127671.2 (MANE Select); 4154 bases downstream of the stop codon, A replaced by G.
Molecular consequence: 3 prime UTR variant.
Genome position (GRCh38, 1-based): chr5:38,477,441, T>C on the plus strand (A>G on the coding strand, the complement: LIFR is on the minus strand). VCF-style: chr5-38477441-T-C. GRCh37 (hg19) VCF-style: chr5-38477543-T-C.
Other names: c.*4154A>G (NM_001364297.2, NM_001364298.2, NM_002310.6).
Identifiers: ClinVar variation 905754 (VCV000905754.4), dbSNP rs73077448, ClinGen allele CA117131249.